The following is an entry in ClinVar:

NM_000038.6(APC):c.6964C>G (p.Gln2322Glu)

Gene: APC (APC regulator of Wnt signaling pathway; plus strand). Cytogenetic location: 5q22.2.
Variant type: single nucleotide variant.
Coding change: c.6964C>G on transcript NM_000038.6 (MANE Select); coding-DNA position 6964, C replaced by G.
Protein change: p.Gln2322Glu; replaces glutamine 2322 with glutamic acid.
Molecular consequence: missense variant.
Genome position (GRCh38, 1-based): chr5:112,842,558, C>G. VCF-style: chr5-112842558-C-G. GRCh37 (hg19) VCF-style: chr5-112178255-C-G.
Other names: c.6715C>G, p.Gln2239Glu (NM_001407457.1, NM_001407454.1, NM_001407455.1 and 1 more transcripts); c.6661C>G, p.Gln2221Glu (NM_001407458.1, NM_001407459.1, NM_001407460.1 and 1 more transcripts); c.6577C>G, p.Gln2193Glu (NM_001407467.1, NM_001407469.1); c.6115C>G, p.Gln2039Glu (NM_001407470.1, NM_001354906.2); c.5812C>G, p.Gln1938Glu (NM_001407471.1, NM_001407472.1); c.6964C>G, p.Gln2322Glu (NM_001127510.3, NM_001354895.2, NM_001407450.1); c.6910C>G, p.Gln2304Glu (NM_001127511.3); c.7018C>G, p.Gln2340Glu (NM_001354896.2, NM_001407447.1, NM_001407448.1 and 1 more transcripts); and 12 more; short protein forms Q1938E, Q2221E, Q2297E, Q2315E, Q2350E, Q2193E, Q2231E, Q2239E.
Identifiers: ClinVar variation 2115874 (VCV002115874.5), dbSNP rs2149977229, ClinGen allele CA16036519.
Genomic context (GRCh38, chr5:112,842,558, plus strand): 5'-TCAGGATCTAGAGATTCGACCCCTTCAAGACCTGCCCAGCAACCATTAAGTAGACCTATA[C>G]AGTCTCCTGGCCGAAACTCAATTTCCCCTGGTAGAAATGGAATAAGTCCTCCTAACAAAT-3'
Protein context (NP_000029.2, residues 2312-2332): PAQQPLSRPI[Gln2322Glu]SPGRNSISPG

ClinVar aggregate classification (germline): Uncertain significance. Review status: criteria provided, multiple submitters, no conflicts (2 of 4 stars). 2 submissions from 2 submitters: Uncertain significance (2). Last evaluated 2025-12-05.

Conditions:
Familial adenomatous polyposis 1 (FAP1). Also called: FAMILIAL ADENOMATOUS POLYPOSIS 1, ATTENUATED; POLYPOSIS, ADENOMATOUS INTESTINAL. Identifiers: MedGen C2713442, MONDO:0021056, OMIM 175100. Disease mechanism: loss of function.
Hereditary cancer-predisposing syndrome. Also called: Neoplastic Syndromes, Hereditary; Tumor predisposition; Hereditary Cancer Syndrome; Hereditary neoplastic syndrome. Identifiers: Orphanet 140162, MedGen C0027672, MeSH D009386, MONDO:0015356.

Allele frequency attached by ClinVar (database versions not stated): gnomAD exomes below 0.00001.
gnomAD v4.1: 2 of 1,613,846 alleles (0.00012%); highest among the groups gnomAD compares: Non-Finnish European, 0.00017%; no homozygotes.

Submissions (2):

Ambry Genetics
Classification: Uncertain significance for Hereditary cancer-predisposing syndrome. Last evaluated: 2025-12-05. Review status: criteria provided, single submitter. Criteria: Ambry Variant Classification Scheme 2023. Collection method: clinical testing. Allele origin: germline.
Comment: The p.Q2322E variant (also known as c.6964C>G), located in coding exon 15 of the APC gene, results from a C to G substitution at nucleotide position 6964. The glutamine at codon 2322 is replaced by glutamic acid, an amino acid with highly similar properties. This amino acid position is conserved. In addition, in silico predictors for this gene do not accurately predict pathogenicity. Based on the available evidence, the clinical significance of this variant remains unclear.

Labcorp Genetics (formerly Invitae), Labcorp
Classification: Uncertain significance for Familial adenomatous polyposis 1. Last evaluated: 2022-03-23. Review status: criteria provided, single submitter. Criteria: Invitae Variant Classification Sherloc (09022015). Collection method: clinical testing. Allele origin: germline.
Comment: This variant has not been reported in the literature in individuals affected with APC-related conditions. Algorithms developed to predict the effect of missense changes on protein structure and function are either unavailable or do not agree on the potential impact of this missense change (SIFT: "Tolerated"; PolyPhen-2: "Probably Damaging"; Align-GVGD: "Class C0"). In summary, the available evidence is currently insufficient to determine the role of this variant in disease. Therefore, it has been classified as a Variant of Uncertain Significance. This sequence change replaces glutamine, which is neutral and polar, with glutamic acid, which is acidic and polar, at codon 2322 of the APC protein (p.Gln2322Glu). This variant is not present in population databases (gnomAD no frequency).